The following is an entry in ClinVar:

NM_003107.3(SOX4):c.1291del (p.Asp431fs)

Gene: SOX4 (SRY-box transcription factor 4; plus strand). Cytogenetic location: 6p22.3.
Variant type: Deletion.
Coding change: c.1291del on transcript NM_003107.3 (MANE Select); coding-DNA position 1291, one base deleted (G; older notation c.1291delG).
Protein change: p.Asp431fs; shifts the reading frame from aspartic acid 431.
Molecular consequence: frameshift variant.
Genome position (GRCh38, 1-based): chr6:21,595,825, G deleted; the last of 3 consecutive G bases (chr6:21,595,823-21,595,825); deleting any one gives the same sequence. VCF-style (leftmost placement, unchanged base first): chr6-21595822-CG-C. GRCh37 (hg19) VCF-style: chr6-21596053-CG-C.
Other names: short protein forms D431fs.
Identifiers: ClinVar variation 4282287 (VCV004282287.1).
Genomic context (GRCh38, chr6:21,595,822, plus strand): 5'-CCCAGCTCAAACTTTGAGAGCATGTCCCTGGGCAGCTTCAGTTCGTCGTCGGCGCTCGAC[CG>C]GGACCTGGATTTTAACTTCGAGCCCGGCTCCGGCTCGCACTTCGAGTTCCCGGACTACTG-3'

ClinVar aggregate classification (germline): Uncertain significance (1 of 4 stars; one submission).

Submission:

GeneDx
Classification: Uncertain significance. Last evaluated: 2025-04-16. Review status: criteria provided, single submitter. Criteria: GeneDx Variant Classification Process June 2021. Collection method: clinical testing. Allele origin: germline. Affected: yes.
Comment: Not observed at significant frequency in large population cohorts (gnomAD); Frameshift variant predicted to result in abnormal protein length as the last 44 amino acid(s) are replaced with 23 different amino acid(s); Has not been previously published as pathogenic or benign to our knowledge